The following is an entry in ClinVar:

ClinVar aggregate classification (germline): Uncertain significance (1 of 4 stars; one submission).

gnomAD v4.1: 95 of 1,568,328 alleles (0.0061%); highest among the groups gnomAD compares: South Asian, 0.049%; no homozygotes.

Submission:

Women's Health and Genetics/Laboratory Corporation of America, LabCorp
Classification: Uncertain significance. Last evaluated: 2026-06-02. Review status: criteria provided, single submitter. Criteria: LabCorp Variant Classification Summary - May 2015. Collection method: clinical testing. Allele origin: germline.
Comment: Variant summary: PKD1 c.6362G>A (p.Arg2121His) results in a non-conservative amino acid change in the encoded protein sequence. Algorithms developed to predict the effect of missense changes on protein structure and function are either unavailable or do not agree on the potential impact of this missense change. The variant allele was found at a frequency of 9.8e-05 in 173446 control chromosomes. This frequency is not significantly higher than estimated for disease-causing variants in PKD1, allowing no conclusion about variant significance. To our knowledge, no occurrence of c.6362G>A in individuals affected with PKD1-related conditions and no experimental evidence demonstrating its impact on protein function have been reported. No submitters have cited clinical-significance assessments for this variant to ClinVar. Based on the evidence outlined above, the variant was classified as uncertain significance.

NM_001009944.3(PKD1):c.6362G>A (p.Arg2121His)

Gene: PKD1 (polycystin 1, transient receptor potential channel interacting; minus strand). Cytogenetic location: 16p13.3.
Variant type: single nucleotide variant.
Coding change: c.6362G>A on transcript NM_001009944.3 (MANE Select); coding-DNA position 6362, G replaced by A.
Protein change: p.Arg2121His; replaces arginine 2121 with histidine.
Molecular consequence: missense variant.
Genome position (GRCh38, 1-based): chr16:2,108,805, C>T on the plus strand (G>A on the coding strand, the complement: PKD1 is on the minus strand). VCF-style: chr16-2108805-C-T. GRCh37 (hg19) VCF-style: chr16-2158806-C-T.
Other names: c.6362G>A, p.Arg2121His (NM_000296.4); short protein forms R2121H.
Identifiers: ClinVar variation 4887593 (VCV004887593.1).
Genomic context (GRCh38, chr16:2,108,805, plus strand): 5'-ACGGTCACCGTGGCCTGCGCCACGAAGAAGCTCACCAGGTTGGAGGCGTTCACCTGCACG[C>T]GGTAGTCCCCAGGCCTCAGGTAGGAGTGCTCGGCCCTGGGCTCATCTGTGTCCTGCCCTG-3'
Protein context (NP_001009944.3, residues 2111-2131): EHSYLRPGDY[Arg2121His]VQVNASNLVS